The following is an entry in ClinVar:

NM_005676.5(RBM10):c.1575+3G>A

Gene: RBM10 (RNA binding motif protein 10; plus strand). Cytogenetic location: Xp11.3.
Variant type: single nucleotide variant.
Coding change: c.1575+3G>A on transcript NM_005676.5 (MANE Select); 3 bases into the intron after coding-DNA position 1575, G replaced by A.
Molecular consequence: intron variant.
Genome position (GRCh38, 1-based): chrX:47,181,649, G>A. VCF-style: chrX-47181649-G-A. GRCh37 (hg19) VCF-style: chrX-47041048-G-A.
Other names: c.1770+3G>A (NM_001204468.2); c.1572+3G>A (NM_001204467.2); c.1344+3G>A (NM_001204466.2); c.1341+3G>A (NM_152856.3).
Identifiers: ClinVar variation 2004623 (VCV002004623.4), dbSNP rs2147190197, ClinGen allele CA2580101238.

ClinVar aggregate classification (germline): Uncertain significance (1 of 4 stars; one submission).

Allele frequency attached by ClinVar (database versions not stated): gnomAD exomes below 0.00001.
gnomAD v4.1: 1 of 1,206,934 alleles (0.000083%); highest among the groups gnomAD compares: South Asian, 0.0018%; no homozygotes.

Submission:

Labcorp Genetics (formerly Invitae), Labcorp
Classification: Uncertain significance. Last evaluated: 2025-04-23. Review status: criteria provided, single submitter. Criteria: Invitae Variant Classification Sherloc (09022015). Collection method: clinical testing. Allele origin: germline.
Comment: This sequence change falls in intron 14 of the RBM10 gene. It does not directly change the encoded amino acid sequence of the RBM10 protein. It affects a nucleotide within the consensus splice site. This variant is not present in population databases (gnomAD no frequency). This variant has not been reported in the literature in individuals affected with RBM10-related conditions. ClinVar contains an entry for this variant (Variation ID: 2004623). Variants that disrupt the consensus splice site are a relatively common cause of aberrant splicing (PMID: 17576681, 9536098). Algorithms developed to predict the effect of sequence changes on RNA splicing suggest that this variant is not likely to affect RNA splicing. In summary, the available evidence is currently insufficient to determine the role of this variant in disease. Therefore, it has been classified as a Variant of Uncertain Significance.

Literature cited by the submitters: PubMed 17576681; PubMed 9536098.